The following is an entry in ClinVar:

ClinVar aggregate classification (germline): Likely benign. Review status: criteria provided, multiple submitters, no conflicts (2 of 4 stars). 2 submissions from 2 submitters: Likely benign (2). Last evaluated 2025-11-13.

Conditions:
Catecholaminergic polymorphic ventricular tachycardia (CVPT). Also called: Catecholamine-induced polymorphic ventricular tachycardia. Identifiers: Orphanet 3286, MedGen C5574922, MONDO:0017990.
Catecholaminergic polymorphic ventricular tachycardia 1. Also called: RYR2-Related Catecholaminergic Polymorphic Ventricular Tachycardia; VENTRICULAR TACHYCARDIA, STRESS-INDUCED POLYMORPHIC 1; VENTRICULAR TACHYCARDIA, CATECHOLAMINERGIC POLYMORPHIC, 1, WITH OR WITHOUT ATRIAL DYSFUNCTION AND/OR DILATED CARDIOMYOPATHY. Identifiers: Orphanet 3286, MedGen C1631597, MONDO:0011484, OMIM 604772.

Allele frequency attached by ClinVar (database versions not stated): gnomAD exomes below 0.00001; TOPMed below 0.00001; gnomAD 0.00001.
gnomAD v4.1: 2 of 1,613,904 alleles (0.00012%); highest among the groups gnomAD compares: Non-Finnish European, 0.00017%; no homozygotes.

Submissions (2):

Labcorp Genetics (formerly Invitae), Labcorp
Classification: Likely benign for Catecholaminergic polymorphic ventricular tachycardia 1. Last evaluated: 2025-11-13. Review status: criteria provided, single submitter. Criteria: Invitae Variant Classification Sherloc (09022015). Collection method: clinical testing. Allele origin: germline.

All of Us Research Program, National Institutes of Health
Classification: Likely benign for Catecholaminergic polymorphic ventricular tachycardia. Last evaluated: 2023-07-22. Review status: criteria provided, single submitter. Criteria: ACMG Guidelines, 2015. Collection method: clinical testing. Allele origin: germline. Inheritance: Autosomal dominant inheritance. Observed: 2 variant alleles, 2 heterozygotes.
Comment: This study involves interpretation of variants in research participants for the purpose of population health screening. Participant phenotype was not available at the time of variant classification. Additional details can be found in publication PMID: 35346344, PMCID: PMC8962531

NM_001035.3(RYR2):c.7614A>G (p.Thr2538=)

Gene: RYR2 (ryanodine receptor 2; plus strand). Cytogenetic location: 1q43.
Variant type: single nucleotide variant.
Coding change: c.7614A>G on transcript NM_001035.3 (MANE Select); coding-DNA position 7614, A replaced by G.
Protein change: p.Thr2538=; no amino-acid change (threonine 2538 retained).
Molecular consequence: synonymous variant.
Genome position (GRCh38, 1-based): chr1:237,649,978, A>G. VCF-style: chr1-237649978-A-G. GRCh37 (hg19) VCF-style: chr1-237813278-A-G.
Identifiers: ClinVar variation 3069397 (VCV003069397.2), dbSNP rs1420202702, ClinGen allele CA423820016.